The following is an entry in ClinVar:

NM_000059.4(BRCA2):c.5962G>T (p.Val1988Leu)

Gene: BRCA2 (BRCA2 DNA repair associated; plus strand). Cytogenetic location: 13q13.1.
Variant type: single nucleotide variant.
Coding change: c.5962G>T on transcript NM_000059.4 (MANE Select); coding-DNA position 5962, G replaced by T.
Protein change: p.Val1988Leu; replaces valine 1988 with leucine.
Molecular consequence: missense variant. On other transcripts: non-coding transcript variant (1), intron variant (2).
Genome position (GRCh38, 1-based): chr13:32,340,317, G>T. VCF-style: chr13-32340317-G-T. GRCh37 (hg19) VCF-style: chr13-32914454-G-T.
Other names: c.5962G>T, p.Val1988Leu (NM_001406719.1, NM_001406720.1); c.1910-4241G>T (NM_001406721.1); c.425-4241G>T (NM_001406722.1); short protein forms V1988L.
Identifiers: ClinVar variation 3075632 (VCV003075632.1), dbSNP rs28897739, ClinGen allele CA387787612.

ClinVar aggregate classification (germline): Uncertain significance (1 of 4 stars; one submission).

Conditions:
Breast-ovarian cancer, familial, susceptibility to, 2 (BROVCA2). Also called: BRCA2 Hereditary Breast and Ovarian Cancer. Identifiers: Orphanet 145, MedGen C2675520, MONDO:0012933, OMIM 612555. Disease mechanism: loss of function.

Submission:

All of Us Research Program, National Institutes of Health
Classification: Uncertain significance for Breast-ovarian cancer, familial, susceptibility to, 2. Last evaluated: 2023-04-03. Review status: criteria provided, single submitter. Criteria: ACMG Guidelines, 2015. Collection method: clinical testing. Allele origin: germline. Inheritance: Autosomal dominant inheritance. Observed: 1 variant allele, 1 heterozygote.
Comment: This missense variant replaces valine with leucine at codon 1988 of the BRCA2 protein. Computational prediction is inconclusive regarding the impact of this variant on protein structure and function (internally defined REVEL score threshold 0.5 < inconclusive < 0.7, PMID: 27666373). To our knowledge, functional studies have not been reported for this variant. This variant has not been reported in individuals affected with BRCA2-related disorders in the literature. This variant has not been identified in the general population by the Genome Aggregation Database (gnomAD). The available evidence is insufficient to determine the role of this variant in disease conclusively. Therefore, this variant is classified as a Variant of Uncertain Significance.

This study involves interpretation of variants in research participants for the purpose of population health screening. Participant phenotype was not available at the time of variant classification. Additional details can be found in publication PMID: 35346344, PMCID: PMC8962531